The following is an entry in ClinVar:

ClinVar aggregate classification (germline): Uncertain significance. Review status: criteria provided, multiple submitters, no conflicts (2 of 4 stars). 2 submissions from 2 submitters: Uncertain significance (2). Last evaluated 2025-02-20.

Conditions:
Van Maldergem syndrome 2 (VMLDS2). Identifiers: Orphanet 314679, MedGen C3809875, MONDO:0014242, OMIM 615546.
Hennekam lymphangiectasia-lymphedema syndrome 2 (HKLLS2). Identifiers: Orphanet 2136, MedGen C4014939, MONDO:0014454, OMIM 616006.

Allele frequency attached by ClinVar (database versions not stated): gnomAD 0.00001; TOPMed 0.00001.
gnomAD v4.1: 1 of 1,613,968 alleles (0.000062%); highest among the groups gnomAD compares: Non-Finnish European, 0.000085%; no homozygotes.

Submissions (2):

Clinical Genomics Laboratory, Washington University in St. Louis
Classification: Uncertain significance for Hennekam lymphangiectasia-lymphedema syndrome 2; Van Maldergem syndrome 2. Last evaluated: 2025-02-20. Review status: criteria provided, single submitter. Criteria: ACMG Guidelines, 2015. Collection method: clinical testing. Allele origin: germline.
Comment: A FAT4 c.6466C>A (p.Gln2156Lys) variant was identified at a near heterozygous allelic fraction of 49.1%, a frequency which may be consistent with germline origin. This variant, to our knowledge, has not been reported in the medical literature but has been reported in the ClinVar database as a germline variant of uncertain significance by one submitter (ClinVar Variation ID: 1482042). It is only observed on 1/1,613,968 alleles in the general population (gnomAD v.4.1.0), indicating it is not a common variant. Computational predictors suggest that the variant does not impact FAT4 function. Due to limited information, and based on ACMG/AMP guidelines for variant interpretation (Richards S et al., PMID: 25741868), the clinical significance of this variant is uncertain at this time.

Labcorp Genetics (formerly Invitae), Labcorp
Classification: Uncertain significance. Last evaluated: 2022-11-01. Review status: criteria provided, single submitter. Criteria: Invitae Variant Classification Sherloc (09022015). Collection method: clinical testing. Allele origin: germline.
Comment: This sequence change replaces glutamine, which is neutral and polar, with lysine, which is basic and polar, at codon 2156 of the FAT4 protein (p.Gln2156Lys). This variant is not present in population databases (gnomAD no frequency). This variant has not been reported in the literature in individuals affected with FAT4-related conditions. ClinVar contains an entry for this variant (Variation ID: 1482042). Advanced modeling of protein sequence and biophysical properties (such as structural, functional, and spatial information, amino acid conservation, physicochemical variation, residue mobility, and thermodynamic stability) performed at Invitae indicates that this missense variant is not expected to disrupt FAT4 protein function. In summary, the available evidence is currently insufficient to determine the role of this variant in disease. Therefore, it has been classified as a Variant of Uncertain Significance.

NM_001291303.3(FAT4):c.6466C>A (p.Gln2156Lys)

Gene: FAT4 (FAT atypical cadherin 4; plus strand). Cytogenetic location: 4q28.1.
Variant type: single nucleotide variant.
Coding change: c.6466C>A on transcript NM_001291303.3 (MANE Select); coding-DNA position 6466, C replaced by A.
Protein change: p.Gln2156Lys; replaces glutamine 2156 with lysine.
Molecular consequence: missense variant.
Genome position (GRCh38, 1-based): chr4:125,415,429, C>A. VCF-style: chr4-125415429-C-A. GRCh37 (hg19) VCF-style: chr4-126336584-C-A.
Other names: c.6466C>A, p.Gln2156Lys (NM_001291285.3, NM_024582.6); short protein forms Q2156K.
Identifiers: ClinVar variation 1482042 (VCV001482042.4), dbSNP rs911179212, ClinGen allele CA104854084.